The following is an entry in ClinVar:

NM_004959.5(NR5A1):c.795del (p.Cys266fs)

Gene: NR5A1 (nuclear receptor subfamily 5 group A member 1; minus strand). Cytogenetic location: 9q33.3.
Variant type: Deletion.
Coding change: c.795del on transcript NM_004959.5 (MANE Select); coding-DNA position 795, one base deleted (G; older notation c.795delG).
Protein change: p.Cys266fs; shifts the reading frame from cysteine 266.
Molecular consequence: frameshift variant.
Genome position (GRCh38, 1-based): chr9:124,500,165, C deleted on the plus strand (G on the coding strand, the reverse complement: NR5A1 is on the minus strand). VCF-style (leftmost placement, unchanged base first): chr9-124500164-AC-A. GRCh37 (hg19) VCF-style: chr9-127262443-AC-A.
Other names: short protein forms C266fs.
Identifiers: ClinVar variation 3757330 (VCV003757330.2).

ClinVar aggregate classification (germline): Pathogenic (1 of 4 stars; one submission).

Conditions:
46 XY differences of sex development. Also called: 46, XY disorder of sex development (DSD); 46,XY disorder of sex development. Identifiers: Orphanet 98085, MedGen C2751824, MONDO:0020040.
Oligosynaptic infertility (SPGF1). Also called: SPERMATOGENIC FAILURE 1; OLIGOCHIASMATIC INFERTILITY. Identifiers: MedGen C0403810, MONDO:0009776, OMIM 258150.

Submission:

Labcorp Genetics (formerly Invitae), Labcorp
Classification: Pathogenic for 46 XY differences of sex development; Oligosynaptic infertility. Last evaluated: 2024-07-23. Review status: criteria provided, single submitter. Criteria: Invitae Variant Classification Sherloc (09022015). Collection method: clinical testing. Allele origin: germline.
Comment: This sequence change creates a premature translational stop signal (p.Cys266Alafs*30) in the NR5A1 gene. It is expected to result in an absent or disrupted protein product. Loss-of-function variants in NR5A1 are known to be pathogenic (PMID: 10369247, 12907682, 19246354). This variant is not present in population databases (gnomAD no frequency). This variant has not been reported in the literature in individuals affected with NR5A1-related conditions. For these reasons, this variant has been classified as Pathogenic.

Literature cited by the submitters: PubMed 10369247; PubMed 12907682; PubMed 19246354.